The following is an entry in ClinVar:

NM_001130987.2(DYSF):c.5939A>C (p.Lys1980Thr)

Gene: DYSF (dysferlin; plus strand). Cytogenetic location: 2p13.2.
Variant type: single nucleotide variant.
Coding change: c.5939A>C on transcript NM_001130987.2 (MANE Select); coding-DNA position 5939, A replaced by C.
Protein change: p.Lys1980Thr; replaces lysine 1980 with threonine.
Molecular consequence: missense variant.
Genome position (GRCh38, 1-based): chr2:71,679,111, A>C. VCF-style: chr2-71679111-A-C. GRCh37 (hg19) VCF-style: chr2-71906241-A-C.
Other names: c.5825A>C, p.Lys1942Thr (NM_001130455.2); c.5780A>C, p.Lys1927Thr (NM_001130976.2); c.5843A>C, p.Lys1948Thr (NM_001130977.2); c.5885A>C, p.Lys1962Thr (NM_001130978.2); c.5915A>C, p.Lys1972Thr (NM_001130979.2); c.5873A>C, p.Lys1958Thr (NM_001130980.2); c.5936A>C, p.Lys1979Thr (NM_001130981.2); c.5918A>C, p.Lys1973Thr (NM_001130982.2); and 5 more; short protein forms K1958T, K1972T, K1927T, K1928T, K1941T, K1949T, K1962T, K1979T.
Identifiers: ClinVar variation 2153266 (VCV002153266.2), dbSNP rs536703008, ClinGen allele CA49774338.

ClinVar aggregate classification (germline): Uncertain significance. Review status: criteria provided, multiple submitters, no conflicts (2 of 4 stars). 2 submissions from 2 submitters: Uncertain significance (2). Last evaluated 2024-02-15.

Conditions:
Neuromuscular disease caused by qualitative or quantitative defects of dysferlin. Also called: Dysferlinopathy; Qualitative or quantitative defects of dysferlin. Identifiers: Orphanet 207073, MedGen C2931687, MONDO:0016145.

Allele frequency attached by ClinVar (database versions not stated): TOPMed 0.00001.
gnomAD v4.1: 39 of 1,614,042 alleles (0.0024%); highest among the groups gnomAD compares: Non-Finnish European, 0.0031%; no homozygotes.

Submissions (2):

Blueprint Genetics
Classification: Uncertain significance. Last evaluated: 2024-02-15. Review status: criteria provided, single submitter. Criteria: ACMG Guidelines, 2015. Collection method: clinical testing. Allele origin: germline.

Labcorp Genetics (formerly Invitae), Labcorp
Classification: Uncertain significance for Neuromuscular disease caused by qualitative or quantitative defects of dysferlin. Last evaluated: 2022-03-29. Review status: criteria provided, single submitter. Criteria: Invitae Variant Classification Sherloc (09022015). Collection method: clinical testing. Allele origin: germline.
Comment: This sequence change replaces lysine, which is basic and polar, with threonine, which is neutral and polar, at codon 1941 of the DYSF protein (p.Lys1941Thr). This variant is present in population databases (no rsID available, gnomAD 0.002%). This variant has not been reported in the literature in individuals affected with DYSF-related conditions. Algorithms developed to predict the effect of missense changes on protein structure and function are either unavailable or do not agree on the potential impact of this missense change (SIFT: "Tolerated"; PolyPhen-2: "Possibly Damaging"; Align-GVGD: "Class C0"). In summary, the available evidence is currently insufficient to determine the role of this variant in disease. Therefore, it has been classified as a Variant of Uncertain Significance.